The following is an entry in ClinVar:

ClinVar aggregate classification (germline): Uncertain significance (1 of 4 stars; one submission).

Conditions:
Parathyroid carcinoma (PRTC). Also called: CDC73-Related Parathyroid Carcinoma; Parathyroid gland carcinoma. Identifiers: Orphanet 143, MedGen C0687150, MONDO:0012004, OMIM 608266, HP:0006780.

Submission:

Labcorp Genetics (formerly Invitae), Labcorp
Classification: Uncertain significance for Parathyroid carcinoma. Last evaluated: 2021-04-23. Review status: criteria provided, single submitter. Criteria: Invitae Variant Classification Sherloc (09022015). Collection method: clinical testing. Allele origin: germline.
Comment: In summary, the available evidence is currently insufficient to determine the role of this variant in disease. Therefore, it has been classified as a Variant of Uncertain Significance. Algorithms developed to predict the effect of sequence changes on RNA splicing suggest that this variant may create or strengthen a splice site, but this prediction has not been confirmed by published transcriptional studies. This variant has not been reported in the literature in individuals with CDC73-related conditions. This variant is not present in population databases (ExAC no frequency). This sequence change falls in intron 2 of the CDC73 gene. It does not directly change the encoded amino acid sequence of the CDC73 protein.

NM_024529.5(CDC73):c.238-14A>G

Gene: CDC73 (cell division cycle 73; plus strand). Cytogenetic location: 1q31.2.
Variant type: single nucleotide variant.
Coding change: c.238-14A>G on transcript NM_024529.5 (MANE Select); 14 bases into the intron before coding-DNA position 238, A replaced by G.
Molecular consequence: intron variant.
Genome position (GRCh38, 1-based): chr1:193,130,160, A>G. VCF-style: chr1-193130160-A-G. GRCh37 (hg19) VCF-style: chr1-193099290-A-G.
Identifiers: ClinVar variation 1502689 (VCV001502689.8), dbSNP rs2103117745, ClinGen allele CA2573131348.
Genomic context (GRCh38, chr1:193,130,160, plus strand): 5'-ATTACATGTTAATATTTATTAAGTTGTGTATCATTGTTATTCATTTCATATCTCATTTAA[A>G]ATTTTGGTTTTAGACTGAAAATATTCCTGTGGTTAGAAGACCTGATCGAAAAGATCTACT-3'